The following is an entry in ClinVar:

NM_001036.6(RYR3):c.4235G>C (p.Gly1412Ala)

Gene: RYR3 (ryanodine receptor 3; plus strand). Cytogenetic location: 15q14.
Variant type: single nucleotide variant.
Coding change: c.4235G>C on transcript NM_001036.6 (MANE Select); coding-DNA position 4235, G replaced by C.
Protein change: p.Gly1412Ala; replaces glycine 1412 with alanine.
Molecular consequence: missense variant.
Genome position (GRCh38, 1-based): chr15:33,652,810, G>C. VCF-style: chr15-33652810-G-C. GRCh37 (hg19) VCF-style: chr15-33945011-G-C.
Other names: c.4235G>C, p.Gly1412Ala (NM_001243996.4); c.4235G>C (NM_001036.3); short protein forms G1412A.
Identifiers: ClinVar variation 962270 (VCV000962270.10), dbSNP rs375881628, ClinGen allele CA7458939.
Genomic context (GRCh38, chr15:33,652,810, plus strand): 5'-GTGGAGACATTGTAGCCAGTTCCCAGAGATCAAATCGGAGCAACGTGGACCTGGAGATCG[G>C]CTGTCTCGTGGATCTGGCCATGGGCATGTTGTCCTTCTCAGCCAATGGAAAGGAACTGGG-3'
Protein context (NP_001027.3, residues 1402-1422): SNRSNVDLEI[Gly1412Ala]CLVDLAMGML

ClinVar aggregate classification (germline): Uncertain significance. Review status: criteria provided, multiple submitters, no conflicts (2 of 4 stars). 2 submissions from 2 submitters: Uncertain significance (2). Last evaluated 2024-04-29.

Conditions:
Epileptic encephalopathy. Identifiers: MedGen C0543888, HP:0200134.

Allele frequency attached by ClinVar (database versions not stated): gnomAD exomes 0.00004; ExAC 0.00005; TOPMed 0.00018; gnomAD 0.00019; ESP Exome Variant Server 0.00024; 1000 Genomes Project 30x 0.00031; 1000 Genomes Project 0.00040.
gnomAD v4.1: 65 of 1,613,862 alleles (0.004%); highest among the groups gnomAD compares: African/African-American, 0.069%; no homozygotes.

Submissions (2):

Ambry Genetics
Classification: Uncertain significance. Last evaluated: 2024-04-29. Review status: criteria provided, single submitter. Criteria: Ambry Variant Classification Scheme 2023. Collection method: clinical testing. Allele origin: germline.

Labcorp Genetics (formerly Invitae), Labcorp
Classification: Uncertain significance for Epileptic encephalopathy. Last evaluated: 2024-02-20. Review status: criteria provided, single submitter. Criteria: Invitae Variant Classification Sherloc (09022015). Collection method: clinical testing. Allele origin: germline.
Comment: This sequence change replaces glycine, which is neutral and non-polar, with alanine, which is neutral and non-polar, at codon 1412 of the RYR3 protein (p.Gly1412Ala). This variant is present in population databases (rs375881628, gnomAD 0.07%), and has an allele count higher than expected for a pathogenic variant. This variant has not been reported in the literature in individuals affected with RYR3-related conditions. ClinVar contains an entry for this variant (Variation ID: 962270). Advanced modeling of protein sequence and biophysical properties (such as structural, functional, and spatial information, amino acid conservation, physicochemical variation, residue mobility, and thermodynamic stability) performed at Invitae indicates that this missense variant is expected to disrupt RYR3 protein function with a positive predictive value of 80%. In summary, the available evidence is currently insufficient to determine the role of this variant in disease. Therefore, it has been classified as a Variant of Uncertain Significance.